The following is an entry in ClinVar:

ClinVar aggregate classification (germline): Uncertain significance. Review status: criteria provided, multiple submitters, no conflicts (2 of 4 stars). 2 submissions from 2 submitters: Uncertain significance (2). Last evaluated 2024-09-18.

Conditions:
ZTTK syndrome (ZTTKS). Also called: ZTTK MULTIPLE CONGENITAL ANOMALIES-MENTAL RETARDATION SYNDROME; Zhu-Tokita-Takenouchi-Kim Syndrome. Identifiers: Orphanet 500150, MedGen C4310696, MONDO:0014936, OMIM 617140.

Submissions (2):

Labcorp Genetics (formerly Invitae), Labcorp
Classification: Uncertain significance. Last evaluated: 2024-09-18. Review status: criteria provided, single submitter. Criteria: Invitae Variant Classification Sherloc (09022015). Collection method: clinical testing. Allele origin: germline.
Comment: This variant, c.2202_2231del, results in the deletion of 10 amino acid(s) of the SON protein (p.Asn749_Ser758del), but otherwise preserves the integrity of the reading frame. The frequency data for this variant in the population databases is considered unreliable, as metrics indicate poor data quality at this position in the gnomAD database. This variant has not been reported in the literature in individuals affected with SON-related conditions. Experimental studies and prediction algorithms are not available or were not evaluated, and the functional significance of this variant is currently unknown. In summary, the available evidence is currently insufficient to determine the role of this variant in disease. Therefore, it has been classified as a Variant of Uncertain Significance.

Revvity Omics, Revvity
Classification: Uncertain significance for ZTTK syndrome. Last evaluated: 2024-01-17. Review status: criteria provided, single submitter. Criteria: ACMG Guidelines, 2015. Collection method: clinical testing. Allele origin: germline.

NM_138927.4(SON):c.2202_2231del (p.729NTMDSQMLAS[2])

Gene: SON (SON DNA and RNA binding protein; plus strand). Cytogenetic location: 21q22.11.
Variant type: Deletion.
Coding change: c.2202_2231del on transcript NM_138927.4 (MANE Select); coding-DNA positions 2202 to 2231, 30 bases deleted (AATGCTAGCGTCCAACACCATGGACTCCCA).
Protein change: p.729NTMDSQMLAS[2].
Molecular consequence: inframe deletion. On other transcripts: non-coding transcript variant (1), intron variant (1).
Genome position (GRCh38, 1-based): chr21:33,551,433-33,551,462, AATGCTAGCGTCCAACACCATGGACTCCCA deleted; deleting any 30 consecutive bases within chr21:33,551,413-33,551,462 gives the same sequence; the c. name uses the placement nearest the transcript's 3' end. VCF-style (leftmost placement, unchanged base first): chr21-33551412-ATCCAACACCATGGACTCCCAAATGCTAGCG-A. GRCh37 (hg19) VCF-style: chr21-34923718-ATCCAACACCATGGACTCCCAAATGCTAGCG-A.
Other names: c.2202_2231del, p.729NTMDSQMLAS[2] (NM_001291411.2, NM_032195.3); c.244+5054_244+5083del (NM_001291412.3); c.2202_2231del (NM_032195.2).
Identifiers: ClinVar variation 3620616 (VCV003620616.3).